The following is an entry in ClinVar:

NM_201253.3(CRB1):c.257_258dup (p.Asn87Ter)

Gene: CRB1 (crumbs cell polarity complex component 1; plus strand). Cytogenetic location: 1q31.3.
Variant type: Microsatellite.
Coding change: c.257_258dup on transcript NM_201253.3 (MANE Select); coding-DNA positions 257 to 258, 2 bases duplicated (TG; older notation c.257_258dupTG).
Protein change: p.Asn87Ter; replaces asparagine 87 with a stop codon.
Molecular consequence: nonsense. On other transcripts: non-coding transcript variant (2).
Genome position (GRCh38, 1-based): chr1:197,328,608-197,328,609, TG duplicated; duplicating any 2 consecutive bases within chr1:197,328,604-197,328,609 gives the same sequence; the c. name uses the placement nearest the transcript's 3' end. VCF-style (leftmost placement, unchanged base first): chr1-197328603-T-TTG. GRCh37 (hg19) VCF-style: chr1-197297733-T-TTG.
Other names: c.257_258dup, p.Asn87Ter (NM_001193640.2, NM_001257966.2); c.50_51dup, p.Asn18Ter (NM_001257965.2); c.257_258dup (NM_201253.2); short protein forms N18*, N87*.
Identifiers: ClinVar variation 419132 (VCV000419132.13), dbSNP rs62636260, ClinGen allele CA228014.

ClinVar aggregate classification (germline): Pathogenic. Review status: criteria provided, multiple submitters, no conflicts (2 of 4 stars). 7 submissions from 6 submitters: Pathogenic (6). 1 of the submissions does not count toward it. Last evaluated 2025-05-06.

Conditions:
Leber congenital amaurosis 8 (LCA8). Identifiers: Orphanet 65, MedGen C3151202, MONDO:0013453, OMIM 613835.
Retinitis pigmentosa 12 (RP12). Also called: RP WITH OR WITHOUT PPRPE; RP WITH OR WITHOUT PRESERVED PARAARTERIOLE RETINAL PIGMENT EPITHELIUM; RETINITIS PIGMENTOSA WITH OR WITHOUT PARAARTERIOLAR PRESERVATION OF RETINAL PIGMENT EPITHELIUM. Identifiers: Orphanet 791, MedGen C1838647, MONDO:0010818, OMIM 600105.
CRB1-related disorder. Also called: CRB1-related disorders; CRB1-related condition.
Leber congenital amaurosis (LCA). Also called: Leber's amaurosis. Identifiers: Orphanet 65, MedGen C0339527, MeSH D057130, MONDO:0018998.

Submissions (7):

Natera, Inc.
Classification: Pathogenic for Leber congenital amaurosis. Last evaluated: 2025-05-06. Review status: criteria provided, single submitter. Criteria: Natera Variant Classification Schema (03/2026). Collection method: clinical testing. Allele origin: germline.
Comment: The c.257_258dup variant in CRB1 is a frameshift variant predicted to shift the reading frame and introduce a stop codon. This variant is expected to result in nonsense mediated decay, truncation, or a dysfunctional protein product. This variant is rare in the general population with a frequency below the threshold expected for the associated phenotype(s). This variant has been observed in one or more individuals affected with the associated recessive disease, as either homozygous or compound heterozygous with a second variant (PMID: 11231775). Given the available evidence, this variant is classified as Pathogenic.

Genome-Nilou Lab
Classification: Pathogenic for Leber congenital amaurosis 8. Last evaluated: 2023-04-11. Review status: criteria provided, single submitter. Criteria: ACMG Guidelines, 2015. Collection method: clinical testing. Allele origin: germline. Affected: no.

Genome-Nilou Lab
Classification: Pathogenic for Retinitis pigmentosa 12. Last evaluated: 2023-04-11. Review status: criteria provided, single submitter. Criteria: ACMG Guidelines, 2015. Collection method: clinical testing. Allele origin: germline. Affected: no.

Labcorp Genetics (formerly Invitae), Labcorp
Classification: Pathogenic for Leber congenital amaurosis 8; Retinitis pigmentosa 12. Last evaluated: 2021-05-20. Review status: criteria provided, single submitter. Criteria: Invitae Variant Classification Sherloc (09022015). Collection method: clinical testing. Allele origin: germline.
Comment: For these reasons, this variant has been classified as Pathogenic. This variant has been observed in individual(s) with Leber congenital amaurosis (PMID: 11231775). This variant is also known as 2bp ins codons 86-87. This variant is not present in population databases (ExAC no frequency). This sequence change creates a premature translational stop signal (p.Asn87*) in the CRB1 gene. It is expected to result in an absent or disrupted protein product. Loss-of-function variants in CRB1 are known to be pathogenic (PMID: 10508521, 22065545, 23379534, 25412400, 26957898, 28041643, 29391521).

Blueprint Genetics
Classification: Pathogenic for CRB1-related disorders. Last evaluated: 2019-12-29. Review status: criteria provided, single submitter. Criteria: ACMG Guidelines, 2015. Collection method: clinical testing. Allele origin: germline. Affected: yes. Observed: 2 variant alleles.

GeneDx
Classification: Pathogenic. Last evaluated: 2015-05-21. Review status: criteria provided, single submitter. Criteria: GeneDx Variant Classification (06012015). Collection method: clinical testing. Allele origin: germline. Affected: yes.
Comment: The c.257_258dupTG duplication in the CRB1 gene has been reported previously in association with Lebercongenital amaurosis (Jacobson et al., 2003; Lotery et al., 2001). The duplication causes a premature Stopcodon at position 87, denoted p.Asn87Ter. This variant is predicted to cause loss of normal proteinfunction either through protein truncation or nonsense-mediated mRNA decay. The c.257_258dupTGvariant was not observed in approximately 6,500 individuals of European and African American ancestry inthe NHLBI Exome Sequencing Project, indicating it is not a common benign variant in these populations. Given the available evidence, we interpret c.257_258dupTG as a pathogenic variant.

Retina International
No classification provided. Review status: no classification provided. Collection method: not provided. Allele origin: not provided. Not counted in ClinVar's aggregate classification.

Literature cited by the submitters: PubMed 11231775 (cited by Natera, Inc. and Labcorp Genetics (formerly Invitae), Labcorp); PubMed 10508521 (cited by Labcorp Genetics (formerly Invitae), Labcorp); PubMed 22065545 (cited by Labcorp Genetics (formerly Invitae), Labcorp); PubMed 23379534 (cited by Labcorp Genetics (formerly Invitae), Labcorp); PubMed 25412400 (cited by Labcorp Genetics (formerly Invitae), Labcorp); PubMed 26957898 (cited by Labcorp Genetics (formerly Invitae), Labcorp); PubMed 28041643 (cited by Labcorp Genetics (formerly Invitae), Labcorp); PubMed 29391521 (cited by Labcorp Genetics (formerly Invitae), Labcorp).